The following is an entry in ClinVar:

NM_001378615.1(CC2D2A):c.351T>G (p.Ser117Arg)

Genes: CC2D2A (coiled-coil and C2 domain containing 2A; plus strand), FBXL5 (F-box and leucine rich repeat protein 5; minus strand). Cytogenetic location: 4p15.32.
Variant type: single nucleotide variant.
Coding change: c.351T>G on transcript NM_001378615.1 (MANE Select); coding-DNA position 351, T replaced by G.
Protein change: p.Ser117Arg; replaces serine 117 with arginine.
Molecular consequence: missense variant.
Genome position (GRCh38, 1-based): chr4:15,502,836, T>G. VCF-style: chr4-15502836-T-G. GRCh37 (hg19) VCF-style: chr4-15504459-T-G.
Other names: c.351T>G, p.Ser117Arg (NM_001080522.2); c.204T>G, p.Ser68Arg (NM_001378617.1); short protein forms S117R, S68R.
Identifiers: ClinVar variation 198451 (VCV000198451.66), dbSNP rs186264635, ClinGen allele CA203454.

ClinVar aggregate classification (germline): Conflicting classifications of pathogenicity. Review status: criteria provided, conflicting classifications (1 of 4 stars). 8 submissions from 7 submitters: Uncertain significance (2); Benign (1); Likely benign (5). Last evaluated 2026-04-01.

Conditions:
Meckel-Gruber syndrome. Also called: DYSENCEPHALIA SPLANCHNOCYSTICA; GRUBER SYNDROME; Dysencephalia splachnocystica. Identifiers: Orphanet 564, MedGen C0265215, MONDO:0018921.
Joubert syndrome. Also called: Familial aplasia of the vermis; JOUBERT-BOLTSHAUSER SYNDROME. Identifiers: Orphanet 475, MedGen C5979921, MONDO:0018772.
Joubert syndrome 9 (JBTS9). Identifiers: Orphanet 2318, MedGen C2676788, MONDO:0012849, OMIM 612285.
Meckel syndrome, type 6. Identifiers: Orphanet 564, MedGen C2676790, MONDO:0012848, OMIM 612284.

Allele frequency attached by ClinVar (database versions not stated): gnomAD 0.00120 and 0.00121; 1000 Genomes Project 0.00140; 1000 Genomes Project 30x 0.00141; TOPMed 0.00145; ESP Exome Variant Server 0.00150; ExAC 0.00172.
gnomAD v4.1: 2,884 of 1,610,380 alleles (0.18%); highest among the groups gnomAD compares: Non-Finnish European, 0.21%; 6 homozygotes.

Submissions (8):

CeGaT Center for Human Genetics Tuebingen
Classification: Likely benign. Last evaluated: 2026-04-01. Review status: criteria provided, single submitter. Criteria: CeGaT Center For Human Genetics Tuebingen Variant Classification Criteria Version 2. Collection method: clinical testing. Allele origin: germline. Affected: yes. Observed: 4 variant alleles.
Comment: CC2D2A: BS2

Labcorp Genetics (formerly Invitae), Labcorp
Classification: Benign for Joubert syndrome; Meckel-Gruber syndrome. Last evaluated: 2026-01-27. Review status: criteria provided, single submitter. Criteria: Invitae Variant Classification Sherloc (09022015). Collection method: clinical testing. Allele origin: germline.

Mayo Clinic Laboratories, Mayo Clinic
Classification: Likely benign. Last evaluated: 2024-09-24. Review status: criteria provided, single submitter. Criteria: ACMG Guidelines, 2015. Collection method: clinical testing. Allele origin: germline. Observed: 5 variant alleles.
Comment: BS2, BP4

GeneDx
Classification: Likely benign. Last evaluated: 2020-07-14. Review status: criteria provided, single submitter. Criteria: GeneDx Variant Classification Process June 2021. Collection method: clinical testing. Allele origin: germline. Affected: yes.
Comment: This variant is associated with the following publications: (PMID: 22241855, 21370303)

Illumina Laboratory Services, Illumina
Classification: Uncertain significance for Meckel syndrome, type 6. Last evaluated: 2017-04-27. Review status: criteria provided, single submitter. Criteria: ICSL Variant Classification Criteria 13 December 2019. Collection method: clinical testing. Allele origin: germline.

Illumina Laboratory Services, Illumina
Classification: Uncertain significance for Joubert syndrome 9. Last evaluated: 2017-04-27. Review status: criteria provided, single submitter. Criteria: ICSL Variant Classification Criteria 13 December 2019. Collection method: clinical testing. Allele origin: germline.
Comment: This variant was observed as part of a predisposition screen in an ostensibly healthy population. A literature search was performed for the gene, cDNA change, and amino acid change (where applicable). Publications were found based on this search. However, the evidence from the literature, in combination with allele frequency data from public databases where available, was not sufficient to rule this variant in or out of causing disease. Therefore, this variant is classified as a variant of unknown significance.

Center for Pediatric Genomic Medicine, Children's Mercy Hospital and Clinics
Classification: Likely benign. Last evaluated: 2016-09-15. Review status: criteria provided, single submitter. Criteria: ACMG Guidelines, 2015. Collection method: clinical testing. Allele origin: germline.
ClinVar note: Converted during submission from Likely Benign to Likely benign.

Eurofins Ntd Llc (ga)
Classification: Likely benign. Last evaluated: 2015-05-22. Review status: criteria provided, single submitter. Criteria: EGL Classification Definitions 2015. Collection method: clinical testing. Allele origin: germline. Observed: 3 variant alleles, 3 heterozygotes.

Literature cited by the submitters: PubMed 22241855 (cited by Mayo Clinic Laboratories, Mayo Clinic and Illumina Laboratory Services, Illumina); PubMed 21370303 (cited by Illumina Laboratory Services, Illumina).